The following is an entry in ClinVar:

ClinVar aggregate classification (germline): Uncertain significance (1 of 4 stars; one submission).

Conditions:
NRP1-related disorder. Also called: NRP1-related condition.

gnomAD v4.1: 19 of 1,613,822 alleles (0.0012%); highest among the groups gnomAD compares: East Asian, 0.0022%; no homozygotes.

Submission:

PreventionGenetics, part of Exact Sciences
Classification: Uncertain significance for NRP1-related condition. Last evaluated: 2026-09-08. Review status: criteria provided, single submitter. Criteria: ACMG Guidelines, 2015. Collection method: clinical testing. Allele origin: germline.
Comment: The NRP1 c.629G>A variant is predicted to result in the amino acid substitution p.Arg210Gln. To our knowledge, this variant has not been reported in the literature. This variant is reported in 0.0050% of alleles in individuals of East Asian descent in gnomAD. At this time, the clinical significance of this variant is uncertain due to the absence of conclusive functional and genetic evidence.

NM_003873.7(NRP1):c.629G>A (p.Arg210Gln)

Gene: NRP1 (neuropilin 1; minus strand). Cytogenetic location: 10p11.22.
Variant type: single nucleotide variant.
Coding change: c.629G>A on transcript NM_003873.7 (MANE Select); coding-DNA position 629, G replaced by A.
Protein change: p.Arg210Gln; replaces arginine 210 with glutamine.
Molecular consequence: missense variant. On other transcripts: non-coding transcript variant (1).
Genome position (GRCh38, 1-based): chr10:33,263,675, C>T on the plus strand (G>A on the coding strand, the complement: NRP1 is on the minus strand). VCF-style: chr10-33263675-C-T. GRCh37 (hg19) VCF-style: chr10-33552603-C-T.
Other names: c.629G>A, p.Arg210Gln (NM_001024628.3, NM_001024629.3, NM_001244972.2 and 2 more transcripts); short protein forms R210Q.
Identifiers: ClinVar variation 3352641 (VCV003352641.2).
Genomic context (GRCh38, chr10:33,263,675, plus strand): 5'-CCCTTTTTGGGGTGCTTCCTGTCATTCTTACCATCAGGGAATCCATCCCAGATTTCTAGC[C>T]GGTCGTAGCGACAGAACATCCCCCCTGGAGGATTTGAGTCAGGCTCCAGGTCAAAGCTTT-3'
Protein context (NP_003864.5, residues 200-220): PPGGMFCRYD[Arg210Gln]LEIWDGFPDV